The following is an entry in ClinVar:

NM_207346.3(TSEN54):c.991G>A (p.Glu331Lys)

Gene: TSEN54 (tRNA splicing endonuclease subunit 54; plus strand). Cytogenetic location: 17q25.1.
Variant type: single nucleotide variant.
Coding change: c.991G>A on transcript NM_207346.3 (MANE Select); coding-DNA position 991, G replaced by A.
Protein change: p.Glu331Lys; replaces glutamic acid 331 with lysine.
Molecular consequence: missense variant.
Genome position (GRCh38, 1-based): chr17:75,522,072, G>A. VCF-style: chr17-75522072-G-A. GRCh37 (hg19) VCF-style: chr17-73518153-G-A.
Other names: short protein forms E331K.
Identifiers: ClinVar variation 994836 (VCV000994836.9), dbSNP rs773368581, ClinGen allele CA8764319.

ClinVar aggregate classification (germline): Uncertain significance. Review status: criteria provided, multiple submitters, no conflicts (2 of 4 stars). 4 submissions from 4 submitters: Uncertain significance (4). Last evaluated 2023-05-08.

Conditions:
Inborn genetic diseases. Identifiers: MedGen C0950123, MeSH D030342.

Allele frequency attached by ClinVar (database versions not stated): TOPMed 0.00011; gnomAD 0.00015 and 0.00016; gnomAD exomes 0.00016 and 0.00019; ExAC 0.00019.
gnomAD v4.1: 292 of 1,587,008 alleles (0.018%); highest among the groups gnomAD compares: Non-Finnish European, 0.024%; no homozygotes.

Submissions (4):

Ambry Genetics
Classification: Uncertain significance for Inborn genetic diseases. Last evaluated: 2023-05-08. Review status: criteria provided, single submitter. Criteria: Ambry Variant Classification Scheme 2023. Collection method: clinical testing. Allele origin: germline.

Labcorp Genetics (formerly Invitae), Labcorp
Classification: Uncertain significance. Last evaluated: 2022-08-15. Review status: criteria provided, single submitter. Criteria: Invitae Variant Classification Sherloc (09022015). Collection method: clinical testing. Allele origin: germline.
Comment: This sequence change replaces glutamic acid, which is acidic and polar, with lysine, which is basic and polar, at codon 331 of the TSEN54 protein (p.Glu331Lys). This variant is present in population databases (rs773368581, gnomAD 0.04%). This variant has not been reported in the literature in individuals affected with TSEN54-related conditions. ClinVar contains an entry for this variant (Variation ID: 994836). Algorithms developed to predict the effect of missense changes on protein structure and function (SIFT, PolyPhen-2, Align-GVGD) all suggest that this variant is likely to be tolerated. In summary, the available evidence is currently insufficient to determine the role of this variant in disease. Therefore, it has been classified as a Variant of Uncertain Significance.

GeneDx
Classification: Uncertain significance. Last evaluated: 2021-09-08. Review status: criteria provided, single submitter. Criteria: GeneDx Variant Classification Process June 2021. Collection method: clinical testing. Allele origin: germline. Affected: yes.
Comment: In silico analysis supports that this missense variant does not alter protein structure/function; Has not been previously published as pathogenic or benign to our knowledge

Athena Diagnostics
Classification: Uncertain significance. Last evaluated: 2020-04-06. Review status: criteria provided, single submitter. Criteria: Athena Diagnostics Criteria. Collection method: clinical testing. Allele origin: unknown.